The following is an entry in ClinVar:

ClinVar aggregate classification (germline): Uncertain significance (1 of 4 stars; one submission).

Conditions:
Inborn genetic diseases. Identifiers: MedGen C0950123, MeSH D030342.

Submission:

Ambry Genetics
Classification: Uncertain significance for Inborn genetic diseases. Last evaluated: 2025-05-15. Review status: criteria provided, single submitter. Criteria: Ambry Variant Classification Scheme 2023. Collection method: clinical testing. Allele origin: germline.
Comment: The p.P27Q variant (also known as c.80C>A), located in coding exon 1 of the SLC17A5 gene, results from a C to A substitution at nucleotide position 80. The proline at codon 27 is replaced by glutamine, an amino acid with similar properties. This amino acid position is conserved. In addition, this alteration is predicted to be tolerated by in silico analysis. Based on the available evidence, the clinical significance of this variant remains unclear.

NM_012434.5(SLC17A5):c.80C>A (p.Pro27Gln)

Genes: SLC17A5 (solute carrier family 17 member 5; minus strand), LOC129996727 (ATAC-STARR-seq lymphoblastoid silent region 17338; plus strand). Cytogenetic location: 6q13.
Variant type: single nucleotide variant.
Coding change: c.80C>A on transcript NM_012434.5 (MANE Select); coding-DNA position 80, C replaced by A.
Protein change: p.Pro27Gln; replaces proline 27 with glutamine.
Molecular consequence: missense variant.
Genome position (GRCh38, 1-based): chr6:73,653,807, G>T on the plus strand (C>A on the coding strand, the complement: SLC17A5 is on the minus strand). VCF-style: chr6-73653807-G-T. GRCh37 (hg19) VCF-style: chr6-74363530-G-T.
Other names: c.46C>A, p.His16Asn (NM_001382629.1, NM_001382636.1); c.80C>A, p.Pro27Gln (NM_001382630.1, NM_001382631.1, NM_001382632.1 and 3 more transcripts); short protein forms P27Q, H16N.
Identifiers: ClinVar variation 3955437 (VCV003955437.1).